The following is an entry in ClinVar:

NM_000268.4(NF2):c.291G>C (p.Leu97Phe)

Gene: NF2 (NF2, moesin-ezrin-radixin like (MERLIN) tumor suppressor; plus strand). Cytogenetic location: 22q12.2.
Variant type: single nucleotide variant.
Coding change: c.291G>C on transcript NM_000268.4 (MANE Select); coding-DNA position 291, G replaced by C.
Protein change: p.Leu97Phe; replaces leucine 97 with phenylalanine.
Molecular consequence: missense variant. On other transcripts: 5 prime UTR variant (1), intron variant (8).
Genome position (GRCh38, 1-based): chr22:29,639,140, G>C. VCF-style: chr22-29639140-G-C. GRCh37 (hg19) VCF-style: chr22-30035129-G-C.
Other names: c.177G>C, p.Leu59Phe (NM_001407053.1, NM_001407056.1); c.165G>C, p.Leu55Phe (NM_001407055.1, NM_181828.3); c.291G>C, p.Leu97Phe (NM_001407057.1, NM_001407059.1, NM_001407060.1 and 5 more transcripts); c.-350G>C (NM_001407065.1); c.60G>C, p.Leu20Phe (NM_001407067.1); c.240+2264G>C (NM_001407058.1, NM_181829.3, NM_001407054.1 and 1 more transcripts); c.115-3062G>C (NM_001407063.1, NM_181830.3, NM_001407064.1 and 1 more transcripts); short protein forms L20F, L55F, L59F, L97F.
Identifiers: ClinVar variation 2663242 (VCV002663242.2), dbSNP rs2146871037, ClinGen allele CA411153229.
Genomic context (GRCh38, chr22:29,639,140, plus strand): 5'-AATTCTGCAGGTACTGGATCATGATGTTTCAAAGGAAGAACCAGTCACCTTTCACTTCTT[G>C]GCCAAATTTTATCCTGAGAATGCTGAAGAGGAGCTGGTTCAGGAGATCACACAACATTTA-3'
Protein context (NP_000259.1, residues 87-107): SKEEPVTFHF[Leu97Phe]AKFYPENAEE

ClinVar aggregate classification (germline): Uncertain significance. Review status: criteria provided, multiple submitters, no conflicts (2 of 4 stars). 2 submissions from 2 submitters: Uncertain significance (2). Last evaluated 2026-07-07.

Conditions:
Hereditary cancer-predisposing syndrome. Also called: Hereditary neoplastic syndrome; Hereditary Cancer Syndrome; Neoplastic Syndromes, Hereditary; Tumor predisposition. Identifiers: Orphanet 140162, MedGen C0027672, MeSH D009386, MONDO:0015356.

Submissions (2):

Ambry Genetics
Classification: Uncertain significance for Hereditary cancer-predisposing syndrome. Last evaluated: 2026-07-07. Review status: criteria provided, single submitter. Criteria: Ambry Variant Classification Scheme 2023. Collection method: clinical testing. Allele origin: germline.
Comment: The p.L97F variant (also known as c.291G>C), located in coding exon 3 of the NF2 gene, results from a G to C substitution at nucleotide position 291. The leucine at codon 97 is replaced by phenylalanine, an amino acid with highly similar properties. This amino acid position is conserved. In addition, the in silico prediction for this alteration is inconclusive. Based on the available evidence, the clinical significance of this variant remains unclear.

GeneDx
Classification: Uncertain significance. Last evaluated: 2023-05-11. Review status: criteria provided, single submitter. Criteria: GeneDx Variant Classification Process June 2021. Collection method: clinical testing. Allele origin: germline. Affected: yes.
Comment: Not observed at significant frequency in large population cohorts (gnomAD); In silico analysis supports that this missense variant has a deleterious effect on protein structure/function; Has not been previously published as pathogenic or benign to our knowledge